The following is an entry in ClinVar:

ClinVar aggregate classification (germline): Uncertain significance (1 of 4 stars; one submission).

Conditions:
Peroxisome biogenesis disorder 12A (Zellweger). Also called: Peroxisome biogenesis disorder 12A. Identifiers: Orphanet 912, MedGen C3554002, MONDO:0013951, OMIM 614886.

Allele frequency attached by ClinVar (database versions not stated): TOPMed below 0.00001; ExAC 0.00001; gnomAD exomes 0.00001 and 0.00002.
gnomAD v4.1: 12 of 1,614,062 alleles (0.00074%); highest among the groups gnomAD compares: Admixed American, 0.0083%; no homozygotes.

Submission:

Labcorp Genetics (formerly Invitae), Labcorp
Classification: Uncertain significance for Peroxisome biogenesis disorder 12A (Zellweger). Last evaluated: 2024-10-21. Review status: criteria provided, single submitter. Criteria: Invitae Variant Classification Sherloc (09022015). Collection method: clinical testing. Allele origin: germline.
Comment: This sequence change replaces asparagine, which is neutral and polar, with lysine, which is basic and polar, at codon 145 of the PEX19 protein (p.Asn145Lys). This variant is present in population databases (rs771657561, gnomAD 0.01%). This variant has not been reported in the literature in individuals affected with PEX19-related conditions. ClinVar contains an entry for this variant (Variation ID: 1393295). An algorithm developed to predict the effect of missense changes on protein structure and function (PolyPhen-2) suggests that this variant is likely to be disruptive. In summary, the available evidence is currently insufficient to determine the role of this variant in disease. Therefore, it has been classified as a Variant of Uncertain Significance.

NM_002857.4(PEX19):c.435C>A (p.Asn145Lys)

Gene: PEX19 (peroxisomal biogenesis factor 19; minus strand). Cytogenetic location: 1q23.2.
Variant type: single nucleotide variant.
Coding change: c.435C>A on transcript NM_002857.4 (MANE Select); coding-DNA position 435, C replaced by A.
Protein change: p.Asn145Lys; replaces asparagine 145 with lysine.
Molecular consequence: missense variant. On other transcripts: non-coding transcript variant (2).
Genome position (GRCh38, 1-based): chr1:160,282,198, G>T on the plus strand (C>A on the coding strand, the complement: PEX19 is on the minus strand). VCF-style: chr1-160282198-G-T. GRCh37 (hg19) VCF-style: chr1-160251988-G-T.
Other names: c.435C>A, p.Asn145Lys (NM_001193644.1); short protein forms N145K.
Identifiers: ClinVar variation 1393295 (VCV001393295.4), dbSNP rs771657561, ClinGen allele CA1197355.
Genomic context (GRCh38, chr1:160,282,198, plus strand): 5'-CCCTTCGTCCATGCCTAGCCCCTCCATGGCCTTGGTCAGCTCTTCTTCCGACATGCTGGA[G>T]TTCTAGATAGGACAAGTAAGAGGTGAGCAGGTATACTACCTTCTTGGGATGCTCACCACT-3'
Protein context (NP_002848.1, residues 135-155): GLAKNATDLQ[Asn145Lys]SSMSEEELTK